The following is an entry in ClinVar:

NM_001372.4(DNAH9):c.4703A>C (p.Asn1568Thr)

Gene: DNAH9 (dynein axonemal heavy chain 9; plus strand). Cytogenetic location: 17p12.
Variant type: single nucleotide variant.
Coding change: c.4703A>C on transcript NM_001372.4 (MANE Select); coding-DNA position 4703, A replaced by C.
Protein change: p.Asn1568Thr; replaces asparagine 1568 with threonine.
Molecular consequence: missense variant.
Genome position (GRCh38, 1-based): chr17:11,693,956, A>C. VCF-style: chr17-11693956-A-C. GRCh37 (hg19) VCF-style: chr17-11597273-A-C.
Other names: c.4703A>C (NM_001372.3); short protein forms N1568T.
Identifiers: ClinVar variation 2078050 (VCV002078050.6), dbSNP rs201103065, ClinGen allele CA8395743.

ClinVar aggregate classification (germline): Likely benign. Review status: criteria provided, single submitter (1 of 4 stars). 2 submissions from 2 submitters: Likely benign (1). 1 of the submissions does not count toward it. Last evaluated 2026-01-05.

Conditions:
DNAH9-related disorder. Also called: DNAH9-related condition.

Allele frequency attached by ClinVar (database versions not stated): ExAC 0.00021; 1000 Genomes Project 30x 0.00047; gnomAD 0.00011; TOPMed 0.00015; 1000 Genomes Project 0.00060.
gnomAD v4.1: 131 of 1,614,228 alleles (0.0081%); highest among the groups gnomAD compares: East Asian, 0.13%; no homozygotes.

Submissions (2):

Labcorp Genetics (formerly Invitae), Labcorp
Classification: Likely benign. Last evaluated: 2026-01-05. Review status: criteria provided, single submitter. Criteria: Invitae Variant Classification Sherloc (09022015). Collection method: clinical testing. Allele origin: germline.

PreventionGenetics, part of Exact Sciences
Classification: Likely benign for DNAH9-related condition. Last evaluated: 2022-06-07. Review status: no assertion criteria provided. Collection method: clinical testing. Allele origin: germline. Not counted in ClinVar's aggregate classification.
Comment: This variant is classified as likely benign based on ACMG/AMP sequence variant interpretation guidelines (Richards et al. 2015 PMID: 25741868, with internal and published modifications).